The following is an entry in ClinVar:

ClinVar aggregate classification (germline): Benign/Likely benign. Review status: criteria provided, multiple submitters, no conflicts (2 of 4 stars). 3 submissions from 3 submitters: Benign (1); Likely benign (2). Last evaluated 2025-07-08.

Conditions:
Familial thoracic aortic aneurysm and aortic dissection (TAAD). Also called: Thoracic aortic aneurysms and dissections. Identifiers: Orphanet 91387, MedGen C4707243, MONDO:0019625.
Congenital contractural arachnodactyly (CCA). Also called: Beals-Hecht syndrome; BEALS SYNDROME; Arthrogryposis, distal, type 9. Identifiers: Orphanet 115, MedGen C0220668, MONDO:0007363, OMIM 121050.

Allele frequency attached by ClinVar (database versions not stated): ExAC 0.00001; gnomAD exomes 0.00001 and 0.00003; TOPMed 0.00002.
gnomAD v4.1: 42 of 1,612,050 alleles (0.0026%); highest among the groups gnomAD compares: East Asian, 0.0045%; no homozygotes.

Submissions (3):

Labcorp Genetics (formerly Invitae), Labcorp
Classification: Likely benign for Congenital contractural arachnodactyly. Last evaluated: 2025-07-08. Review status: criteria provided, single submitter. Criteria: Invitae Variant Classification Sherloc (09022015). Collection method: clinical testing. Allele origin: germline.

Ambry Genetics
Classification: Likely benign for Familial thoracic aortic aneurysm and aortic dissection. Last evaluated: 2024-03-17. Review status: criteria provided, single submitter. Criteria: Ambry Variant Classification Scheme 2023. Collection method: clinical testing. Allele origin: germline.

GeneDx
Classification: Benign. Last evaluated: 2014-11-05. Review status: criteria provided, single submitter. Criteria: GeneDx Variant Classification (06012015). Collection method: clinical testing. Allele origin: germline. Affected: yes.
Comment: This variant is considered likely benign or benign based on one or more of the following criteria: it is a conservative change, it occurs at a poorly conserved position in the protein, it is predicted to be benign by multiple in silico algorithms, and/or has population frequency not consistent with disease.

NM_001999.4(FBN2):c.4515A>G (p.Thr1505=)

Gene: FBN2 (fibrillin 2; minus strand). Cytogenetic location: 5q23.3.
Variant type: single nucleotide variant.
Coding change: c.4515A>G on transcript NM_001999.4 (MANE Select); coding-DNA position 4515, A replaced by G.
Protein change: p.Thr1505=; no amino-acid change (threonine 1505 retained).
Molecular consequence: synonymous variant.
Genome position (GRCh38, 1-based): chr5:128,318,958, T>C on the plus strand (A>G on the coding strand, the complement: FBN2 is on the minus strand). VCF-style: chr5-128318958-T-C. GRCh37 (hg19) VCF-style: chr5-127654650-T-C.
Identifiers: ClinVar variation 213233 (VCV000213233.12), dbSNP rs751938197, ClinGen allele CA324915.
Genomic context (GRCh38, chr5:128,318,958, plus strand): 5'-TCTGTCCAATTCATAACCATCATCGCAGATGCAATGAAACATTCCAGGCAGGTTATTACA[T>C]GTTCCAAAGACACAAATGTTTTGGAAGGAGCATTCATCAATATCTGAAGATTTTAAAAAA-3'
Protein context (NP_001990.2, residues 1495-1515): CSFQNICVFG[Thr1505=]CNNLPGMFHC